The following is an entry in ClinVar:

NM_006907.4(PYCR1):c.577G>A (p.Val193Met)

Gene: PYCR1 (pyrroline-5-carboxylate reductase 1; minus strand). Cytogenetic location: 17q25.3.
Variant type: single nucleotide variant.
Coding change: c.577G>A on transcript NM_006907.4 (MANE Select); coding-DNA position 577, G replaced by A.
Protein change: p.Val193Met; replaces valine 193 with methionine.
Molecular consequence: missense variant. On other transcripts: intron variant (1).
Genome position (GRCh38, 1-based): chr17:81,934,709, C>T on the plus strand (G>A on the coding strand, the complement: PYCR1 is on the minus strand). VCF-style: chr17-81934709-C-T. GRCh37 (hg19) VCF-style: chr17-79892585-C-T.
Other names: c.577G>A, p.Val193Met (NM_001282280.2, NM_001330523.2, NM_153824.3); c.658G>A, p.Val220Met (NM_001282281.2); c.540+217G>A (NM_001282279.2); c.577G>A (NM_006907.3); short protein forms V193M, V220M.
Identifiers: ClinVar variation 1306331 (VCV001306331.3), dbSNP rs773142712, ClinGen allele CA401537906.

ClinVar aggregate classification (germline): Uncertain significance. Review status: criteria provided, multiple submitters, no conflicts (2 of 4 stars). 2 submissions from 2 submitters: Uncertain significance (2). Last evaluated 2022-10-30.

Conditions:
PYCR1-related disorder. Also called: PYCR1-related condition.

Allele frequency attached by ClinVar (database versions not stated): gnomAD 0.00001; TOPMed 0.00002.
gnomAD v4.1: 14 of 1,571,080 alleles (0.00089%); highest among the groups gnomAD compares: African/African-American, 0.0027%; no homozygotes.

Submissions (2):

PreventionGenetics, part of Exact Sciences
Classification: Uncertain significance for PYCR1-related condition. Last evaluated: 2022-10-30. Review status: criteria provided, single submitter. Criteria: ACMG Guidelines, 2015. Collection method: clinical testing. Allele origin: germline.
Comment: The PYCR1 c.577G>A variant is predicted to result in the amino acid substitution p.Val193Met. To our knowledge, this variant has not been reported in the literature. This variant is reported in 0.0035% of alleles in individuals of Latino descent in gnomAD. At this time, the clinical significance of this variant is uncertain due to the absence of conclusive functional and genetic evidence.

GeneDx
Classification: Uncertain significance. Last evaluated: 2019-06-05. Review status: criteria provided, single submitter. Criteria: GeneDx Variant Classification Process June 2021. Collection method: clinical testing. Allele origin: germline. Affected: yes.